The following is an entry in ClinVar:

NM_001430.5(EPAS1):c.127C>G (p.Leu43Val)

Gene: EPAS1 (endothelial PAS domain protein 1; plus strand). Cytogenetic location: 2p21.
Variant type: single nucleotide variant.
Coding change: c.127C>G on transcript NM_001430.5 (MANE Select); coding-DNA position 127, C replaced by G.
Protein change: p.Leu43Val; replaces leucine 43 with valine.
Molecular consequence: missense variant.
Genome position (GRCh38, 1-based): chr2:46,346,973, C>G. VCF-style: chr2-46346973-C-G. GRCh37 (hg19) VCF-style: chr2-46574112-C-G.
Other names: short protein forms L43V.
Identifiers: ClinVar variation 1767494 (VCV001767494.7), dbSNP rs752221582, ClinGen allele CA1644479.
Genomic context (GRCh38, chr2:46,346,973, plus strand): 5'-GCGCGGTGCCGGCGGAGCAAGGAGACGGAGGTGTTCTATGAGCTGGCCCATGAGCTGCCT[C>G]TGCCCCACAGTGTGAGCTCCCATCTGGACAAGGCCTCCATCATGCGACTGGCAATCAGCT-3'
Protein context (NP_001421.2, residues 33-53): VFYELAHELP[Leu43Val]PHSVSSHLDK

ClinVar aggregate classification (germline): Uncertain significance. Review status: criteria provided, multiple submitters, no conflicts (2 of 4 stars). 3 submissions from 3 submitters: Uncertain significance (3). Last evaluated 2025-06-17.

Conditions:
Inborn genetic diseases. Identifiers: MedGen C0950123, MeSH D030342.
Erythrocytosis, familial, 4 (ECYT4). Identifiers: Orphanet 247511, MedGen C2673187, MONDO:0012729, OMIM 611783.

Allele frequency attached by ClinVar (database versions not stated): gnomAD 0.00002; TOPMed 0.00002; ExAC 0.00002.

Submissions (3):

Ambry Genetics
Classification: Uncertain significance for Inborn genetic diseases. Last evaluated: 2025-06-17. Review status: criteria provided, single submitter. Criteria: Ambry Variant Classification Scheme 2023. Collection method: clinical testing. Allele origin: germline.

Labcorp Genetics (formerly Invitae), Labcorp
Classification: Uncertain significance. Last evaluated: 2025-01-30. Review status: criteria provided, single submitter. Criteria: Invitae Variant Classification Sherloc (09022015). Collection method: clinical testing. Allele origin: germline.
Comment: This sequence change replaces leucine, which is neutral and non-polar, with valine, which is neutral and non-polar, at codon 43 of the EPAS1 protein (p.Leu43Val). This variant is present in population databases (rs752221582, gnomAD 0.005%). This variant has not been reported in the literature in individuals affected with EPAS1-related conditions. ClinVar contains an entry for this variant (Variation ID: 1767494). An algorithm developed to predict the effect of missense changes on protein structure and function (PolyPhen-2) suggests that this variant is likely to be disruptive. In summary, the available evidence is currently insufficient to determine the role of this variant in disease. Therefore, it has been classified as a Variant of Uncertain Significance.

Department of Pathology and Laboratory Medicine, Sinai Health System
Classification: Uncertain significance for Erythrocytosis, familial, 4. Last evaluated: 2023-03-08. Review status: criteria provided, single submitter. Criteria: ACMG Guidelines, 2015. Collection method: research. Allele origin: germline.